The following is an entry in ClinVar:

ClinVar aggregate classification (germline): Benign (1 of 4 stars; one submission).

Conditions:
Fraser syndrome 2 (FRASRS2). Identifiers: MedGen C4540036, MONDO:0054738, OMIM 617666.

Allele frequency attached by ClinVar (database versions not stated): 1000 Genomes Project 30x 0.25016; 1000 Genomes Project 0.25719; TOPMed 0.27205; gnomAD 0.28925 and 0.29020.

Submission:

Illumina Laboratory Services, Illumina
Classification: Benign for Fraser syndrome 2. Last evaluated: 2018-01-12. Review status: criteria provided, single submitter. Criteria: ICSL Variant Classification Criteria 13 December 2019. Collection method: clinical testing. Allele origin: germline.
Comment: This variant was observed in the ICSL laboratory as part of a predisposition screen in an ostensibly healthy population. It had not been previously curated by ICSL or reported in the Human Gene Mutation Database (HGMD: prior to June 1st, 2018), and was therefore a candidate for classification through an automated scoring system. Utilizing variant allele frequency, disease prevalence and penetrance estimates, and inheritance mode, an automated score was calculated to assess if this variant is too frequent to cause the disease. Based on the score and internal cut-off values, a variant classified as benign is not then subjected to further curation. The score for this variant resulted in a classification of benign for this disease.

NM_207361.6(FREM2):c.*5899C>T

Gene: FREM2 (FRAS1 related extracellular matrix 2; plus strand). Cytogenetic location: 13q13.3.
Variant type: single nucleotide variant.
Coding change: c.*5899C>T on transcript NM_207361.6 (MANE Select); 5899 bases downstream of the stop codon, C replaced by T.
Molecular consequence: 3 prime UTR variant.
Genome position (GRCh38, 1-based): chr13:38,886,686, C>T. VCF-style: chr13-38886686-C-T. GRCh37 (hg19) VCF-style: chr13-39460823-C-T.
Identifiers: ClinVar variation 312116 (VCV000312116.5), dbSNP rs1945504, ClinGen allele CA10639539.
Genomic context (GRCh38, chr13:38,886,686, plus strand): 5'-AACCTCAGATGATCCTCCCGCCTCCACCTCCCAAAGTACTGGAATTACAATGGCGTGAGC[C>T]ACCACAAGATATTTTTAAAGCCCATTTGTCTATAAAAGAAAACTCTTGGACAAGGAGCTT-3'